The following is an entry in ClinVar:

ClinVar aggregate classification (germline): Conflicting classifications of pathogenicity. Review status: criteria provided, conflicting classifications (1 of 4 stars). 2 submissions from 2 submitters: Likely pathogenic (1); Uncertain significance (1). Last evaluated 2026-07-10.

Conditions:
Spondyloepimetaphyseal dysplasia, PAPSS2 type. Also called: SEMD, PAKISTANI TYPE; BRACHYOLMIA TYPE 4 WITH MILD EPIPHYSEAL AND METAPHYSEAL CHANGES; SPONDYLODYSPLASIA AND PREMATURE PUBARCHE. Identifiers: Orphanet 93282, MedGen C2748516, MONDO:0019666, OMIM 612847.
Fetal anomalies with a likely genetic cause.

Submissions (2):

Genetics Laboratory, Great Ormond Street Hospital NHS Foundation Trust, North Thames Genomic Laboratory Hub
Classification: Uncertain significance for Fetal anomalies with a likely genetic cause. Last evaluated: 2026-07-10. Review status: criteria provided, single submitter. Criteria: ACGS Best Practice Guidelines for Variant Classification in Rare Disease 2024 v1.2. Collection method: clinical testing. Allele origin: germline. Affected: yes.
Comment: PM2_moderate, PM4_moderate

Labcorp Genetics (formerly Invitae), Labcorp
Classification: Likely pathogenic for Spondyloepimetaphyseal dysplasia, PAPSS2 type. Last evaluated: 2022-05-03. Review status: criteria provided, single submitter. Criteria: Invitae Variant Classification Sherloc (09022015). Collection method: clinical testing. Allele origin: germline.
Comment: This sequence change results in a frameshift in the PAPSS2 gene (p.Thr610Argfs*39). While this is not anticipated to result in nonsense mediated decay, it is expected to disrupt the last 10 amino acid(s) of the PAPSS2 protein and extend the protein by 28 additional amino acid residues. This variant is not present in population databases (gnomAD no frequency). In summary, the currently available evidence indicates that the variant is pathogenic, but additional data are needed to prove that conclusively. Therefore, this variant has been classified as Likely Pathogenic. Algorithms developed to predict the effect of sequence changes on RNA splicing suggest that this variant may create or strengthen a splice site. This frameshift has been observed in individual(s) with clinical features of PAPSS2-related conditions (Invitae). In at least one individual the data is consistent with being in trans (on the opposite chromosome) from a pathogenic variant.

NM_001015880.2(PAPSS2):c.1828_1829insGAGATTATTACAGGTCCCGA (p.Thr610fs)

Gene: PAPSS2 (3'-phosphoadenosine 5'-phosphosulfate synthase 2; plus strand). Cytogenetic location: 10q23.31.
Variant type: Microsatellite.
Coding change: c.1828_1829insGAGATTATTACAGGTCCCGA on transcript NM_001015880.2 (MANE Select); coding-DNA positions 1828 to 1829, GAGATTATTACAGGTCCCGA inserted.
Protein change: p.Thr610fs; shifts the reading frame from threonine 610.
Molecular consequence: frameshift variant.
Genome position: GRCh38 VCF-style: chr10-87745936-T-TGAGAGATTATTACAGGTCCC. GRCh37 (hg19) VCF-style: chr10-89505693-T-TGAGAGATTATTACAGGTCCC.
Other names: c.1813_1814insGAGATTATTACAGGTCCCGA, p.Thr605fs (NM_004670.4); short protein forms T605fs, T610fs.
Identifiers: ClinVar variation 1506358 (VCV001506358.8), dbSNP rs2131732940.
Genomic context (GRCh38, chr10:87,745,936, plus strand): 5'-TCGCCCGGGAAGGAGAGAATCCCCCAGATGGCTTCATGGCCCCCAAAGCATGGAAGGTCC[T>TGAGAGATTATTACAGGTCCC]GACAGATTATTACAGGTCCCTGGAGAAGAACTAAGCCTTTGGCTCCAGAGTTTCTTTCTG-3'